The following is an entry in ClinVar:

ClinVar aggregate classification (germline): Likely pathogenic (1 of 4 stars; one submission).

Submission:

GeneDx
Classification: Likely pathogenic. Last evaluated: 2023-09-14. Review status: criteria provided, single submitter. Criteria: GeneDx Variant Classification Process June 2021. Collection method: clinical testing. Allele origin: germline. Affected: yes.
Comment: Frameshift variant predicted to result in protein truncation, as the last 123 amino acids are replaced with 110 different amino acids, and other loss-of-function variants have been reported downstream in HGMD; Not observed at significant frequency in large population cohorts (gnomAD); Has not been previously published as pathogenic or benign to our knowledge

NM_001853.4(COL9A3):c.1685del (p.Pro562fs)

Gene: COL9A3 (collagen type IX alpha 3 chain; plus strand). Cytogenetic location: 20q13.33.
Variant type: Deletion.
Coding change: c.1685del on transcript NM_001853.4 (MANE Select); coding-DNA position 1685, one base deleted (C; older notation c.1685delC).
Protein change: p.Pro562fs; shifts the reading frame from proline 562.
Molecular consequence: frameshift variant.
Genome position (GRCh38, 1-based): chr20:62,837,164, C deleted; the last of 6 consecutive C bases (chr20:62,837,159-62,837,164); deleting any one gives the same sequence. VCF-style (leftmost placement, unchanged base first): chr20-62837158-GC-G. GRCh37 (hg19) VCF-style: chr20-61468510-GC-G.
Other names: short protein forms P562fs.
Identifiers: ClinVar variation 2580760 (VCV002580760.1), dbSNP rs759213760, ClinGen allele CA9950145.